The following is an entry in ClinVar:

ClinVar aggregate classification (germline): Uncertain significance (1 of 4 stars; one submission).

Conditions:
Van Maldergem syndrome 1 (VMLDS1). Also called: Van Maldergem syndrome 1 (VMLDS1). Identifiers: Orphanet 314679, MedGen C4551950, MONDO:0011070, OMIM 601390.
Hennekam lymphangiectasia-lymphedema syndrome 1 (HKLLS1). Also called: LYMPHATIC DYSPLASIA, GENERALIZED. Identifiers: Orphanet 2136, MedGen C4012050, MONDO:0009337, OMIM 235510.

Allele frequency attached by ClinVar (database versions not stated): ExAC 0.00001; gnomAD exomes 0.00001; TOPMed below 0.00001.
gnomAD v4.1: 15 of 1,614,088 alleles (0.00093%); highest among the groups gnomAD compares: Non-Finnish European, 0.0013%; no homozygotes.

Submission:

Labcorp Genetics (formerly Invitae), Labcorp
Classification: Uncertain significance. Last evaluated: 2022-06-04. Review status: criteria provided, single submitter. Criteria: Invitae Variant Classification Sherloc (09022015). Collection method: clinical testing. Allele origin: germline.
Comment: This sequence change replaces valine, which is neutral and non-polar, with isoleucine, which is neutral and non-polar, at codon 3333 of the FAT4 protein (p.Val3333Ile). This variant is not present in population databases (gnomAD no frequency). This variant has not been reported in the literature in individuals affected with FAT4-related conditions. Advanced modeling of protein sequence and biophysical properties (such as structural, functional, and spatial information, amino acid conservation, physicochemical variation, residue mobility, and thermodynamic stability) performed at Invitae indicates that this missense variant is not expected to disrupt FAT4 protein function. In summary, the available evidence is currently insufficient to determine the role of this variant in disease. Therefore, it has been classified as a Variant of Uncertain Significance.

NM_001291303.3(FAT4):c.10003G>A (p.Val3335Ile)

Gene: FAT4 (FAT atypical cadherin 4; plus strand). Cytogenetic location: 4q28.1.
Variant type: single nucleotide variant.
Coding change: c.10003G>A on transcript NM_001291303.3 (MANE Select); coding-DNA position 10003, G replaced by A.
Protein change: p.Val3335Ile; replaces valine 3335 with isoleucine.
Molecular consequence: missense variant.
Genome position (GRCh38, 1-based): chr4:125,451,013, G>A. VCF-style: chr4-125451013-G-A. GRCh37 (hg19) VCF-style: chr4-126372168-G-A.
Other names: c.10003G>A, p.Val3335Ile (NM_001291285.3); c.9997G>A, p.Val3333Ile (NM_024582.6); c.9997G>A (NM_024582.4); short protein forms V3335I, V3333I.
Identifiers: ClinVar variation 1917308 (VCV001917308.3), dbSNP rs757518051, ClinGen allele CA3073616.